The following is an entry in ClinVar:

ClinVar aggregate classification (germline): Likely pathogenic. Review status: criteria provided, multiple submitters, no conflicts (2 of 4 stars). 3 submissions from 3 submitters: Likely pathogenic (3). Last evaluated 2025-02-07.

Conditions:
Mucopolysaccharidosis, MPS-II (MPS2). Also called: Hunter Syndrome; Mucopolysaccharidosis with skin involvement; Mucopolysaccharidosis type 2; IDURONATE 2-SULFATASE DEFICIENCY; Mucopolysaccharidosis Type II; IDS deficiency. Identifiers: Orphanet 580, Orphanet 79388, MedGen C0026705, MONDO:0010674, OMIM 309900.

Submissions (3):

Revvity Omics, Revvity
Classification: Likely pathogenic for Mucopolysaccharidosis, MPS-II. Last evaluated: 2025-02-07. Review status: criteria provided, single submitter. Criteria: ACMG Guidelines, 2015. Collection method: clinical testing. Allele origin: germline.

Laboratory of Diagnosis and Therapy of Lysosomal Disorders, University of Padova
Classification: Likely pathogenic for Mucopolysaccharidosis, MPS-II. Last evaluated: 2024-06-07. Review status: criteria provided, single submitter. Criteria: ACMG Guidelines, 2015. Collection method: literature only. Allele origin: germline. Affected: yes. Observed: 5 variant alleles.
Comment: Prevalence of the variant significantly increased in affected individuals compared with controls (PS4_Supporting), Absent from controls (or at low frequency) in gnomAD database (PM2_Moderate), Missense variant in a gene with a low rate of benign missense variation (PP2_Supporting), Multiple lines of computational evidence support a deleterious effect (PP3_Supporting), Patient’s phenotype or family history highly specific for the disease (PP4_Strong)

Classification method: ACMG Guidelines [PMID:25741868] with modifications

MOLECULAR BIOLOGY LABORATORY, INSTITUTO NACIONAL DE PEDIATRIA
Classification: Likely pathogenic for Mucopolysaccharidosis, MPS-II. Last evaluated: 2015-10-18. Review status: criteria provided, single submitter. Criteria: ACMG Guidelines, 2007. Collection method: research. Allele origin: maternal. Affected: yes. Observed: 1 variant allele.
Comment: Pathogenicity clues: Highly conserved nucleotide (phyloP: 0.96 [-5.2;1.1]); Highly conserved amino acid, up to Fruitfly (considering 12 species); Moderate physicochemical difference between His and Pro (Grantham dist.: 77 [0-215]); This variant is in protein domains: Sulfatase, Alkaline-phosphatase-like, core domain, Align GVGD: C0 (GV: 353.86 - GD: 0.00); SIFT: Deleterious (score: 0, median: 3.50); MutationTaster: disease causing (p-value: 1); PolyPhen prediction: Probably Damaging (score 1.0)

Variation absent in 133 IDS normal alleles (automated sequencing) from Mexican-descent healthy controls.

Literature cited by the submitters: PubMed 26762690 (cited by Laboratory of Diagnosis and Therapy of Lysosomal Disorders, University of Padova and MOLECULAR BIOLOGY LABORATORY, INSTITUTO NACIONAL DE PEDIATRIA); PubMed 27146977 (cited by Laboratory of Diagnosis and Therapy of Lysosomal Disorders, University of Padova); PubMed 30639582 (cited by Laboratory of Diagnosis and Therapy of Lysosomal Disorders, University of Padova); PubMed 36713083 (cited by Laboratory of Diagnosis and Therapy of Lysosomal Disorders, University of Padova); PubMed 36945845 (cited by Laboratory of Diagnosis and Therapy of Lysosomal Disorders, University of Padova).

NM_000202.8(IDS):c.1025A>C (p.His342Pro)

Genes: IDS (iduronate 2-sulfatase; minus strand), LOC106050102 (IDS recombination region; plus strand). Cytogenetic location: Xq28.
Variant type: single nucleotide variant.
Coding change: c.1025A>C on transcript NM_000202.8 (MANE Select); coding-DNA position 1025, A replaced by C.
Protein change: p.His342Pro; replaces histidine 342 with proline.
Molecular consequence: missense variant.
Genome position (GRCh38, 1-based): chrX:149,487,080, T>G on the plus strand (A>C on the coding strand, the complement: IDS is on the minus strand). VCF-style: chrX-149487080-T-G. GRCh37 (hg19) VCF-style: chrX-148568611-T-G.
Other names: c.755A>C, p.His252Pro (NM_001166550.4); short protein forms H342P, H252P.
Identifiers: ClinVar variation 221972 (VCV000221972.4), dbSNP rs869025303, ClinGen allele CA356950.